The following is an entry in ClinVar:

NM_001875.5(CPS1):c.2407C>G (p.Arg803Gly)

Gene: CPS1 (carbamoyl-phosphate synthase 1; plus strand). Cytogenetic location: 2q34.
Variant type: single nucleotide variant.
Coding change: c.2407C>G on transcript NM_001875.5 (MANE Select); coding-DNA position 2407, C replaced by G.
Protein change: p.Arg803Gly; replaces arginine 803 with glycine.
Molecular consequence: missense variant. On other transcripts: non-coding transcript variant (2).
Genome position (GRCh38, 1-based): chr2:210,612,132, C>G. VCF-style: chr2-210612132-C-G. GRCh37 (hg19) VCF-style: chr2-211476856-C-G.
Other names: c.2407C>G, p.Arg803Gly (NM_001122633.3, NM_001369257.1); c.2440C>G, p.Arg814Gly (NM_001369256.1); c.2407C>G (LRG_336t1); short protein forms R814G, R803G.
Identifiers: ClinVar variation 656636 (VCV000656636.15), dbSNP rs201716417, ClinGen allele CA2086633.

ClinVar aggregate classification (germline): Pathogenic/Likely pathogenic. Review status: criteria provided, multiple submitters, no conflicts (2 of 4 stars). 6 submissions from 6 submitters: Pathogenic (2); Likely pathogenic (4). Last evaluated 2025-10-30.

Conditions:
Pulmonary hypertension, neonatal, susceptibility to (PHN). Identifiers: MedGen C3714958, MONDO:0014151, OMIM 615371.
Congenital hyperammonemia, type I. Also called: Carbamoyl phosphate synthetase I deficiency disease; Carbamoyl-phosphate synthase I deficiency; CPS I DEFICIENCY; Carbamoyl phosphate synthetase 1 deficiency; Hyperammonemia due to carbamoyl phosphate synthetase 1 deficiency; CPS 1 deficiency. Identifiers: Orphanet 147, MedGen C4082171, MONDO:0009376, OMIM 237300.

Allele frequency attached by ClinVar (database versions not stated): TOPMed 0.00002.
gnomAD v4.1: 8 of 1,611,730 alleles (0.0005%); highest among the groups gnomAD compares: East Asian, 0.016%; no homozygotes.

Submissions (6):

Natera, Inc.
Classification: Likely pathogenic for Carbamoyl-phosphate synthase I deficiency. Last evaluated: 2025-10-30. Review status: criteria provided, single submitter. Criteria: Natera Variant Classification Schema (03/2026). Collection method: clinical testing. Allele origin: germline.
Comment: The c.2407C>G variant in CPS1 is a missense variant predicted to cause substitution of arginine to glycine at amino acid 803. This variant is rare in the general population with a frequency below the threshold expected for the associated phenotype(s). This variant has been observed in one or more individuals affected with the associated recessive disease, as either homozygous or compound heterozygous with a second variant (PMID: 19167850, 33309754). Computational prediction algorithms indicate this variant is likely to affect gene or protein function. Given the available evidence, this variant is classified as Likely Pathogenic.

Labcorp Genetics (formerly Invitae), Labcorp
Classification: Pathogenic for Congenital hyperammonemia, type I. Last evaluated: 2025-08-11. Review status: criteria provided, single submitter. Criteria: Invitae Variant Classification Sherloc (09022015). Collection method: clinical testing. Allele origin: germline.
Comment: This sequence change replaces arginine, which is basic and polar, with glycine, which is neutral and non-polar, at codon 803 of the CPS1 protein (p.Arg803Gly). This variant is present in population databases (rs201716417, gnomAD 0.04%). This missense change has been observed in individual(s) with carbamoyl phosphate synthetase I deficiency (PMID: 19167850, 22575620, 26440671, 28658158). In at least one individual the data is consistent with being in trans (on the opposite chromosome) from a pathogenic variant. ClinVar contains an entry for this variant (Variation ID: 656636). Invitae Evidence Modeling of protein sequence and biophysical properties (such as structural, functional, and spatial information, amino acid conservation, physicochemical variation, residue mobility, and thermodynamic stability) indicates that this missense variant is expected to disrupt CPS1 protein function with a positive predictive value of 95%. This variant disrupts the p.Arg803 amino acid residue in CPS1. Other variant(s) that disrupt this residue have been observed in individuals with CPS1-related conditions (PMID: 21120950), which suggests that this may be a clinically significant amino acid residue. For these reasons, this variant has been classified as Pathogenic.

Baylor Genetics
Classification: Pathogenic for Pulmonary hypertension, neonatal, susceptibility to. Last evaluated: 2024-02-05. Review status: criteria provided, single submitter. Criteria: ACMG Guidelines, 2015. Collection method: clinical testing. Allele origin: unknown.

Women's Health and Genetics/Laboratory Corporation of America, LabCorp
Classification: Likely pathogenic for Congenital hyperammonemia, type I. Last evaluated: 2022-08-31. Review status: criteria provided, single submitter. Criteria: LabCorp Variant Classification Summary - May 2015. Collection method: clinical testing. Allele origin: germline.
Comment: Variant summary: CPS1 c.2407C>G (p.Arg803Gly) results in a non-conservative amino acid change located in the Carbamoyl-phosphate synthase large subunit, CPSase domain (IPR005483) of the encoded protein sequence. The variant allele was found at a frequency of 3.2e-05 in 251012 control chromosomes (gnomAD). c.2407C>G has been reported in the literature in individuals affected with Carbamoylphosphate Synthetase I Deficiency (examples: Ono_2009, Haeberle_2011, Kretz_2012, Ali_2016, Yang_2017). These data indicate that the variant is likely to be associated with disease. To our knowledge, no experimental evidence demonstrating an impact on protein function has been reported. One clinical diagnostic laboratory has submitted clinical-significance assessments for this variant to ClinVar after 2014 and classified the variant as pathogenic. Based on the evidence outlined above, the variant was classified as likely pathogenic.

Fulgent Genetics
Classification: Likely pathogenic for Congenital hyperammonemia, type I; Pulmonary hypertension, neonatal, susceptibility to. Last evaluated: 2022-01-19. Review status: criteria provided, single submitter. Criteria: ACMG Guidelines, 2015. Collection method: clinical testing. Allele origin: unknown.

Juno Genomics, Hangzhou Juno Genomics, Inc
Classification: Likely pathogenic for Pulmonary hypertension, neonatal, susceptibility to; Congenital hyperammonemia, type I. Review status: criteria provided, single submitter. Criteria: ACMG Guidelines, 2015. Collection method: clinical testing. Allele origin: germline.
Comment: Absent from controls (or at extremely low frequency if recessive) in Genome Aggregation Database.;Multiple lines of computational evidence support a deleterious effect on the gene or gene product.;For recessive disorders, detected in trans with a pathogenic variant.

Literature cited by the submitters: PubMed 19167850 (cited by 3 submitters); PubMed 33309754 (cited by Natera, Inc.); PubMed 22575620 (cited by Labcorp Genetics (formerly Invitae), Labcorp and Women's Health and Genetics/Laboratory Corporation of America, LabCorp); PubMed 26440671 (cited by Labcorp Genetics (formerly Invitae), Labcorp and Women's Health and Genetics/Laboratory Corporation of America, LabCorp); PubMed 28658158 (cited by Labcorp Genetics (formerly Invitae), Labcorp and Women's Health and Genetics/Laboratory Corporation of America, LabCorp); PubMed 21120950 (cited by Labcorp Genetics (formerly Invitae), Labcorp and Women's Health and Genetics/Laboratory Corporation of America, LabCorp).